The following is an entry in ClinVar:

NM_015488.5(PNKD):c.1021C>T (p.Pro341Ser)

Genes: CATIP-AS2 (CATIP antisense RNA 2; minus strand), PNKD (PNKD metallo-beta-lactamase domain containing; plus strand). Cytogenetic location: 2q35.
Variant type: single nucleotide variant.
Coding change: c.1021C>T on transcript NM_015488.5 (MANE Select); coding-DNA position 1021, C replaced by T.
Protein change: p.Pro341Ser; replaces proline 341 with serine.
Molecular consequence: missense variant.
Genome position (GRCh38, 1-based): chr2:218,344,844, C>T. VCF-style: chr2-218344844-C-T. GRCh37 (hg19) VCF-style: chr2-219209567-C-T.
Other names: c.949C>T, p.Pro317Ser (NM_022572.5); short protein forms P317S, P341S.
Identifiers: ClinVar variation 4797250 (VCV004797250.1).

ClinVar aggregate classification (germline): Uncertain significance (1 of 4 stars; one submission).

Conditions:
Paroxysmal nonkinesigenic dyskinesia. Also called: Paroxysmal non-kinesigenic dyskinesia. Identifiers: Orphanet 98810, MedGen C1869117, MONDO:0700088.

Submission:

Labcorp Genetics (formerly Invitae), Labcorp
Classification: Uncertain significance for Paroxysmal nonkinesigenic dyskinesia. Last evaluated: 2026-02-03. Review status: criteria provided, single submitter. Criteria: Invitae Variant Classification Sherloc (09022015). Collection method: clinical testing. Allele origin: germline.
Comment: This sequence change replaces proline, which is neutral and non-polar, with serine, which is neutral and polar, at codon 341 of the PNKD protein (p.Pro341Ser). This variant is not present in population databases (gnomAD no frequency). This variant has not been reported in the literature in individuals affected with PNKD-related conditions. Invitae Evidence Modeling of protein sequence and biophysical properties (such as structural, functional, and spatial information, amino acid conservation, physicochemical variation, residue mobility, and thermodynamic stability) indicates that this missense variant is expected to disrupt PNKD protein function with a positive predictive value of 80%. In summary, the available evidence is currently insufficient to determine the role of this variant in disease. Therefore, it has been classified as a Variant of Uncertain Significance.